The following is an entry in ClinVar:

NM_004370.6(COL12A1):c.5585T>C (p.Val1862Ala)

Gene: COL12A1 (collagen type XII alpha 1 chain; minus strand). Cytogenetic location: 6q13.
Variant type: single nucleotide variant.
Coding change: c.5585T>C on transcript NM_004370.6 (MANE Select); coding-DNA position 5585, T replaced by C.
Protein change: p.Val1862Ala; replaces valine 1862 with alanine.
Molecular consequence: missense variant.
Genome position (GRCh38, 1-based): chr6:75,133,937, A>G on the plus strand (T>C on the coding strand, the complement: COL12A1 is on the minus strand). VCF-style: chr6-75133937-A-G. GRCh37 (hg19) VCF-style: chr6-75843653-A-G.
Other names: p.Val1862Ala; c.2093T>C, p.Val698Ala (NM_080645.3); short protein forms V1862A, V698A.
Identifiers: ClinVar variation 707789 (VCV000707789.21), dbSNP rs200029869, ClinGen allele CA3893081.

ClinVar aggregate classification (germline): Conflicting classifications of pathogenicity. Review status: criteria provided, conflicting classifications (1 of 4 stars). 6 submissions from 6 submitters: Uncertain significance (2); Likely benign (3). 1 of the submissions does not count toward it. Last evaluated 2026-01-01.

Conditions:
COL12A1-related disorder. Also called: COL12A1-related condition.
Ullrich congenital muscular dystrophy 2 (UCMD2). Identifiers: Orphanet 75840, MedGen C4225314, MONDO:0014654, OMIM 616470.
Bethlem myopathy 2 (BTHLM2). Identifiers: Orphanet 536516, Orphanet 610, MedGen C4225313, MONDO:0034022, OMIM 616471.

Allele frequency attached by ClinVar (database versions not stated): TOPMed 0.00011; gnomAD exomes 0.00022 and 0.00049; ESP Exome Variant Server 0.00025; 1000 Genomes Project 30x 0.00031; 1000 Genomes Project 0.00040; gnomAD 0.00045 and 0.00048; ExAC 0.00046.
gnomAD v4.1: 403 of 1,614,076 alleles (0.025%); highest among the groups gnomAD compares: East Asian, 0.076%; no homozygotes.

Submissions (6):

CeGaT Center for Human Genetics Tuebingen
Classification: Uncertain significance. Last evaluated: 2026-01-01. Review status: criteria provided, single submitter. Criteria: CeGaT Center For Human Genetics Tuebingen Variant Classification Criteria Version 2. Collection method: clinical testing. Allele origin: germline. Affected: yes. Observed: 1 variant allele.
Comment: COL12A1: PM2

Labcorp Genetics (formerly Invitae), Labcorp
Classification: Likely benign for Bethlem myopathy 2; Ullrich congenital muscular dystrophy 2. Last evaluated: 2025-12-11. Review status: criteria provided, single submitter. Criteria: Invitae Variant Classification Sherloc (09022015). Collection method: clinical testing. Allele origin: germline.

Revvity Omics, Revvity
Classification: Uncertain significance. Last evaluated: 2025-07-02. Review status: criteria provided, single submitter. Criteria: ACMG Guidelines, 2015. Collection method: clinical testing. Allele origin: germline.

Mayo Clinic Laboratories, Mayo Clinic
Classification: Likely benign. Last evaluated: 2025-06-30. Review status: criteria provided, single submitter. Criteria: ACMG Guidelines, 2015. Collection method: clinical testing. Allele origin: germline. Observed: 2 variant alleles.
Comment: BS1

Women's Health and Genetics/Laboratory Corporation of America, LabCorp
Classification: Likely benign. Last evaluated: 2024-12-16. Review status: criteria provided, single submitter. Criteria: LabCorp Variant Classification Summary - May 2015. Collection method: clinical testing. Allele origin: germline.
Comment: Variant summary: COL12A1 c.5585T>C (p.Val1862Ala) results in a non-conservative amino acid change located in the Fibronectin type III repeat domain (IPR003961) of the encoded protein sequence. Three of five in-silico tools predict a damaging effect of the variant on protein function. The variant allele was found at a frequency of 0.00025 in 1607102 control chromosomes, with the highest allele frequencies (AF) within the Ashkenazi Jewish (AF: 0.0034), Finnish (AF: 0.0028) in the gnomAD database (v4.1 dataset). The occurrence in several carriers suggests that the variant is not causal for a dominant, high penetrance, early onset disease phenotype. To our knowledge, no occurrence of c.5585T>C in individuals affected with Ullrich congenital muscular dystrophy 2 and no experimental evidence demonstrating its impact on protein function have been reported. ClinVar contains an entry for this variant (Variation ID: 707789). Based on the evidence outlined above, the variant was classified as likely benign.

PreventionGenetics, part of Exact Sciences
Classification: Likely benign for COL12A1-related condition. Last evaluated: 2022-03-31. Review status: no assertion criteria provided. Collection method: clinical testing. Allele origin: germline. Not counted in ClinVar's aggregate classification.
Comment: This variant is classified as likely benign based on ACMG/AMP sequence variant interpretation guidelines (Richards et al. 2015 PMID: 25741868, with internal and published modifications).

Literature cited by the submitters: PubMed 31273343 (cited by Mayo Clinic Laboratories, Mayo Clinic).